The following is an entry in ClinVar:

NM_000718.4(CACNA1B):c.2121C>T (p.Ile707=)

Gene: CACNA1B (calcium voltage-gated channel subunit alpha1 B; plus strand). Cytogenetic location: 9q34.3.
Variant type: single nucleotide variant.
Coding change: c.2121C>T on transcript NM_000718.4 (MANE Select); coding-DNA position 2121, C replaced by T.
Protein change: p.Ile707=; no amino-acid change (isoleucine 707 retained).
Molecular consequence: synonymous variant.
Genome position (GRCh38, 1-based): chr9:138,010,038, C>T. VCF-style: chr9-138010038-C-T. GRCh37 (hg19) VCF-style: chr9-140904490-C-T.
Other names: c.2121C>T, p.Ile707= (NM_001243812.2).
Identifiers: ClinVar variation 1957059 (VCV001957059.29), dbSNP rs367634961, ClinGen allele CA5376384.

ClinVar aggregate classification (germline): Likely benign. Review status: criteria provided, multiple submitters, no conflicts (2 of 4 stars). 2 submissions from 2 submitters: Likely benign (2). Last evaluated 2025-09-09.

Allele frequency attached by ClinVar (database versions not stated): gnomAD exomes 0.00003; TOPMed 0.00003; ExAC 0.00005; gnomAD 0.00006; ESP Exome Variant Server 0.00008.
gnomAD v4.1: 26 of 1,613,694 alleles (0.0016%); highest among the groups gnomAD compares: African/African-American, 0.008%; no homozygotes.

Submissions (2):

Labcorp Genetics (formerly Invitae), Labcorp
Classification: Likely benign. Last evaluated: 2025-09-09. Review status: criteria provided, single submitter. Criteria: Invitae Variant Classification Sherloc (09022015). Collection method: clinical testing. Allele origin: germline.

CeGaT Center for Human Genetics Tuebingen
Classification: Likely benign. Last evaluated: 2023-10-01. Review status: criteria provided, single submitter. Criteria: CeGaT Center For Human Genetics Tuebingen Variant Classification Criteria Version 2. Collection method: clinical testing. Allele origin: germline. Affected: yes. Observed: 1 variant allele.
Comment: CACNA1B: BP4, BP7